The following is an entry in ClinVar:

ClinVar aggregate classification (germline): Uncertain significance. Review status: criteria provided, multiple submitters, no conflicts (2 of 4 stars). 2 submissions from 2 submitters: Uncertain significance (2). Last evaluated 2025-06-09.

Conditions:
DK1-congenital disorder of glycosylation. Also called: CDG Im; DK1 DEFICIENCY; DOLICHOL KINASE DEFICIENCY; DOLK-congenital disorder of glycosylation; Carbohydrate deficient glycoprotein syndrome type 1m; CONGENITAL DISORDER OF GLYCOSYLATION, TYPE Im. Identifiers: Orphanet 91131, MedGen C1835849, MONDO:0012556, OMIM 610768.
Cardiovascular phenotype. Identifiers: MedGen CN230736.

Allele frequency attached by ClinVar (database versions not stated): ExAC 0.00001; gnomAD exomes 0.00001; TOPMed 0.00005.

Submissions (2):

Ambry Genetics
Classification: Uncertain significance for Cardiovascular phenotype. Last evaluated: 2025-06-09. Review status: criteria provided, single submitter. Criteria: Ambry Variant Classification Scheme 2023. Collection method: clinical testing. Allele origin: germline.

Labcorp Genetics (formerly Invitae), Labcorp
Classification: Uncertain significance for DK1-congenital disorder of glycosylation. Last evaluated: 2022-06-23. Review status: criteria provided, single submitter. Criteria: Invitae Variant Classification Sherloc (09022015). Collection method: clinical testing. Allele origin: germline.
Comment: This sequence change replaces leucine, which is neutral and non-polar, with phenylalanine, which is neutral and non-polar, at codon 417 of the DOLK protein (p.Leu417Phe). This variant is present in population databases (rs771007659, gnomAD 0.009%). This variant has not been reported in the literature in individuals affected with DOLK-related conditions. Algorithms developed to predict the effect of missense changes on protein structure and function (SIFT, PolyPhen-2, Align-GVGD) all suggest that this variant is likely to be tolerated. In summary, the available evidence is currently insufficient to determine the role of this variant in disease. Therefore, it has been classified as a Variant of Uncertain Significance.

NM_014908.4(DOLK):c.1249C>T (p.Leu417Phe)

Gene: DOLK (dolichol kinase; minus strand). Cytogenetic location: 9q34.11.
Variant type: single nucleotide variant.
Coding change: c.1249C>T on transcript NM_014908.4 (MANE Select); coding-DNA position 1249, C replaced by T.
Protein change: p.Leu417Phe; replaces leucine 417 with phenylalanine.
Molecular consequence: missense variant.
Genome position (GRCh38, 1-based): chr9:128,946,055, G>A on the plus strand (C>T on the coding strand, the complement: DOLK is on the minus strand). VCF-style: chr9-128946055-G-A. GRCh37 (hg19) VCF-style: chr9-131708334-G-A.
Other names: c.1249C>T (NM_014908.3); short protein forms L417F.
Identifiers: ClinVar variation 1525885 (VCV001525885.5), dbSNP rs771007659, ClinGen allele CA5271601.
Genomic context (GRCh38, chr9:128,946,055, plus strand): 5'-CCCTGGCTCCTCCCAGGCTACCCTTCTGTGTGCAGGGTCTGGGGATCAGCCAGATGGGAA[G>A]AGACATGCCCAGGAGCAGGTAGATGTGTGTCAGAATGAGTGGTCCACTGTCTCGTTCATC-3'
Protein context (NP_055723.1, residues 407-427): THIYLLLGMS[Leu417Phe]PIWLIPRPCT